The following is an entry in ClinVar:

NM_006343.3(MERTK):c.499C>T (p.Arg167Cys)

Gene: MERTK (MER proto-oncogene, tyrosine kinase; plus strand). Cytogenetic location: 2q13.
Variant type: single nucleotide variant.
Coding change: c.499C>T on transcript NM_006343.3 (MANE Select); coding-DNA position 499, C replaced by T.
Protein change: p.Arg167Cys; replaces arginine 167 with cysteine.
Molecular consequence: missense variant.
Genome position (GRCh38, 1-based): chr2:111,944,976, C>T. VCF-style: chr2-111944976-C-T. GRCh37 (hg19) VCF-style: chr2-112702553-C-T.
Other names: short protein forms R167C.
Identifiers: ClinVar variation 934923 (VCV000934923.9), dbSNP rs755335718, ClinGen allele CA1831060.

ClinVar aggregate classification (germline): Uncertain significance (1 of 4 stars; one submission).

Allele frequency attached by ClinVar (database versions not stated): ExAC 0.00001; gnomAD exomes 0.00001; TOPMed 0.00002; gnomAD 0.00003.
gnomAD v4.1: 12 of 1,613,138 alleles (0.00074%); highest among the groups gnomAD compares: South Asian, 0.0011%; no homozygotes.

Submission:

Labcorp Genetics (formerly Invitae), Labcorp
Classification: Uncertain significance. Last evaluated: 2022-10-18. Review status: criteria provided, single submitter. Criteria: Invitae Variant Classification Sherloc (09022015). Collection method: clinical testing. Allele origin: germline.
Comment: This sequence change replaces arginine, which is basic and polar, with cysteine, which is neutral and slightly polar, at codon 167 of the MERTK protein (p.Arg167Cys). This variant is present in population databases (rs755335718, gnomAD 0.02%). This missense change has been observed in individual(s) with clinical features of retinitis pigmentosa (Invitae). In at least one individual the data is consistent with being in trans (on the opposite chromosome) from a pathogenic variant. ClinVar contains an entry for this variant (Variation ID: 934923). Algorithms developed to predict the effect of missense changes on protein structure and function (SIFT, PolyPhen-2, Align-GVGD) all suggest that this variant is likely to be disruptive. In summary, the available evidence is currently insufficient to determine the role of this variant in disease. Therefore, it has been classified as a Variant of Uncertain Significance.